The following is an entry in ClinVar:

NM_004006.3(DMD):c.8459G>A (p.Trp2820Ter)

Gene: DMD (dystrophin; minus strand). Cytogenetic location: Xp21.2.
Variant type: single nucleotide variant.
Coding change: c.8459G>A on transcript NM_004006.3 (MANE Select); coding-DNA position 8459, G replaced by A.
Protein change: p.Trp2820Ter; replaces tryptophan 2820 with a stop codon.
Molecular consequence: nonsense.
Genome position (GRCh38, 1-based): chrX:31,496,876, C>T on the plus strand (G>A on the coding strand, the complement: DMD is on the minus strand). VCF-style: chrX-31496876-C-T. GRCh37 (hg19) VCF-style: chrX-31514993-C-T.
Other names: c.8435G>A, p.Trp2812Ter (NM_000109.4); c.8447G>A, p.Trp2816Ter (NM_004009.3); c.8090G>A, p.Trp2697Ter (NM_004010.3); c.4436G>A, p.Trp1479Ter (NM_004011.4); c.4427G>A, p.Trp1476Ter (NM_004012.4); c.1079G>A, p.Trp360Ter (NM_004013.3, NM_004020.4, NM_004021.3 and 2 more transcripts); c.272G>A, p.Trp91Ter (NM_004014.3); short protein forms W2820*, W1476*, W2816*, W2697*, W1479*, W360*, W2812*, W91*.
Identifiers: ClinVar variation 266038 (VCV000266038.3), dbSNP rs886039785, ClinGen allele CA10588957.

ClinVar aggregate classification (germline): Likely pathogenic (0 of 4 stars; one submission).

Conditions:
Duchenne muscular dystrophy (DMD). Also called: Duchenne Muscular Dystrophy (DMD); MUSCULAR DYSTROPHY, PSEUDOHYPERTROPHIC PROGRESSIVE, DUCHENNE TYPE. Identifiers: Orphanet 98896, MedGen C0013264, MONDO:0010679, OMIM 310200.

Submission:

Foundation for Research in Genetics and Endocrinology, FRIGE's Institute of Human Genetics
Classification: Likely pathogenic for Duchenne muscular dystrophy. Last evaluated: 2015-08-10. Review status: no assertion criteria provided. Collection method: clinical testing. Allele origin: germline. Inheritance: X-linked recessive inheritance. Affected: yes. Observed: 1 variant allele, 1 hemizygote.
Comment: The variant c.8459G>A/p.W2820Ter is not reported in 1000 genome database but found to be disease causing by online software Mutation Taster.